The following is an entry in ClinVar:

ClinVar aggregate classification (germline): Uncertain significance (1 of 4 stars; one submission).

Conditions:
Familial thoracic aortic aneurysm and aortic dissection (TAAD). Also called: Thoracic aortic aneurysms and dissections. Identifiers: Orphanet 91387, MedGen C4707243, MONDO:0019625.

Submission:

Ambry Genetics
Classification: Uncertain significance for Familial thoracic aortic aneurysm and aortic dissection. Last evaluated: 2026-03-12. Review status: criteria provided, single submitter. Criteria: Ambry Variant Classification Scheme 2023. Collection method: clinical testing. Allele origin: germline.
Comment: The p.E323Q variant (also known as c.967G>C), located in coding exon 7 of the MYLK gene, results from a G to C substitution at nucleotide position 967. The glutamic acid at codon 323 is replaced by glutamine, an amino acid with highly similar properties. This amino acid position is conserved. In addition, this alteration is predicted to be tolerated by in silico analysis. Based on the available evidence, the clinical significance of this variant remains unclear.

NM_053025.4(MYLK):c.967G>C (p.Glu323Gln)

Gene: MYLK (myosin light chain kinase; minus strand). Cytogenetic location: 3q21.1.
Variant type: single nucleotide variant.
Coding change: c.967G>C on transcript NM_053025.4 (MANE Select); coding-DNA position 967, G replaced by C.
Protein change: p.Glu323Gln; replaces glutamic acid 323 with glutamine.
Molecular consequence: missense variant.
Genome position (GRCh38, 1-based): chr3:123,734,029, C>G on the plus strand (G>C on the coding strand, the complement: MYLK is on the minus strand). VCF-style: chr3-123734029-C-G. GRCh37 (hg19) VCF-style: chr3-123452876-C-G.
Other names: c.439G>C, p.Glu147Gln (NM_001321309.2); c.967G>C, p.Glu323Gln (NM_053026.4, NM_053027.4, NM_053028.4); short protein forms E323Q, E147Q.
Identifiers: ClinVar variation 4827355 (VCV004827355.1).